The following is an entry in ClinVar:

NM_000038.6(APC):c.2252C>T (p.Ser751Phe)

Gene: APC (APC regulator of Wnt signaling pathway; plus strand). Cytogenetic location: 5q22.2.
Variant type: single nucleotide variant.
Coding change: c.2252C>T on transcript NM_000038.6 (MANE Select); coding-DNA position 2252, C replaced by T.
Protein change: p.Ser751Phe; replaces serine 751 with phenylalanine.
Molecular consequence: missense variant.
Genome position (GRCh38, 1-based): chr5:112,837,846, C>T. VCF-style: chr5-112837846-C-T. GRCh37 (hg19) VCF-style: chr5-112173543-C-T.
Other names: c.2252C>T, p.Ser751Phe (NM_001127510.3, NM_001354895.2); c.2198C>T, p.Ser733Phe (NM_001127511.3); c.2306C>T, p.Ser769Phe (NM_001354896.2); c.2282C>T, p.Ser761Phe (NM_001354897.2); c.2177C>T, p.Ser726Phe (NM_001354898.2); c.2168C>T, p.Ser723Phe (NM_001354899.2); c.2129C>T, p.Ser710Phe (NM_001354900.2); c.2075C>T, p.Ser692Phe (NM_001354901.2); and 5 more; short protein forms S751F, S733F, S625F, S723F, S692F, S761F, S591F, S650F.
Identifiers: ClinVar variation 482246 (VCV000482246.13), dbSNP rs775429951, ClinGen allele CA031526.

ClinVar aggregate classification (germline): Uncertain significance. Review status: criteria provided, multiple submitters, no conflicts (2 of 4 stars). 2 submissions from 2 submitters: Uncertain significance (2). Last evaluated 2021-06-17.

Conditions:
Hereditary cancer-predisposing syndrome. Also called: Neoplastic Syndromes, Hereditary; Tumor predisposition; Hereditary Cancer Syndrome; Hereditary neoplastic syndrome. Identifiers: Orphanet 140162, MedGen C0027672, MeSH D009386, MONDO:0015356.
Familial adenomatous polyposis 1 (FAP1). Also called: FAMILIAL ADENOMATOUS POLYPOSIS 1, ATTENUATED; POLYPOSIS, ADENOMATOUS INTESTINAL. Identifiers: MedGen C2713442, MONDO:0021056, OMIM 175100. Disease mechanism: loss of function.

Allele frequency attached by ClinVar (database versions not stated): gnomAD exomes 0.00001 and 0.00002; ExAC 0.00002.
gnomAD v4.1: 12 of 1,614,050 alleles (0.00074%); highest among the groups gnomAD compares: South Asian, 0.013%; no homozygotes.

Submissions (2):

Labcorp Genetics (formerly Invitae), Labcorp
Classification: Uncertain significance for Familial adenomatous polyposis 1. Last evaluated: 2021-06-17. Review status: criteria provided, single submitter. Criteria: Invitae Variant Classification Sherloc (09022015). Collection method: clinical testing. Allele origin: germline.
Comment: This sequence change replaces serine with phenylalanine at codon 751 of the APC protein (p.Ser751Phe). The serine residue is highly conserved and there is a large physicochemical difference between serine and phenylalanine. This variant is present in population databases (rs775429951, ExAC 0.02%). This variant has not been reported in the literature in individuals with APC-related conditions. ClinVar contains an entry for this variant (Variation ID: 482246). In summary, the available evidence is currently insufficient to determine the role of this variant in disease. Therefore, it has been classified as a Variant of Uncertain Significance. Algorithms developed to predict the effect of missense changes on protein structure and function are either unavailable or do not agree on the potential impact of this missense change (SIFT: "Deleterious"; PolyPhen-2: "Probably Damaging"; Align-GVGD: "Class C15").

Ambry Genetics
Classification: Uncertain significance for Hereditary cancer-predisposing syndrome. Last evaluated: 2017-02-15. Review status: criteria provided, single submitter. Criteria: Ambry Variant Classification Scheme 2023. Collection method: clinical testing. Allele origin: germline.
Comment: The p.S751F variant (also known as c.2252C>T), located in coding exon 15 of the APC gene, results from a C to T substitution at nucleotide position 2252. The serine at codon 751 is replaced by phenylalanine, an amino acid with highly dissimilar properties. This amino acid position is highly conserved in available vertebrate species. In addition, in silico predictors for this gene do not accurately predict pathogenicity. Since supporting evidence is limited at this time, the clinical significance of this alteration remains unclear.